The following is an entry in ClinVar:

ClinVar aggregate classification (germline): Uncertain significance (1 of 4 stars; one submission).

Conditions:
Cataract 15 multiple types. Also called: CATARACT 15, LAMELLAR WITH SUTURAL OPACITIES. Identifiers: Orphanet 91492, MedGen C3809001, MONDO:0014110, OMIM 615274.

Submission:

Labcorp Genetics (formerly Invitae), Labcorp
Classification: Uncertain significance for Cataract 15 multiple types. Last evaluated: 2020-02-27. Review status: criteria provided, single submitter. Criteria: Invitae Variant Classification Sherloc (09022015). Collection method: clinical testing. Allele origin: germline.
Comment: In summary, the available evidence is currently insufficient to determine the role of this variant in disease. Therefore, it has been classified as a Variant of Uncertain Significance. Algorithms developed to predict the effect of missense changes on protein structure and function (SIFT, PolyPhen-2, Align-GVGD) all suggest that this variant is likely to be tolerated, but these predictions have not been confirmed by published functional studies and their clinical significance is uncertain. This variant has not been reported in the literature in individuals with MIP-related conditions. This variant is not present in population databases (ExAC no frequency). This sequence change replaces isoleucine with leucine at codon 145 of the MIP protein (p.Ile145Leu). The isoleucine residue is moderately conserved and there is a small physicochemical difference between isoleucine and leucine.

NM_012064.4(MIP):c.433A>C (p.Ile145Leu)

Gene: MIP (major intrinsic protein of lens fiber; minus strand). Cytogenetic location: 12q13.3.
Variant type: single nucleotide variant.
Coding change: c.433A>C on transcript NM_012064.4 (MANE Select); coding-DNA position 433, A replaced by C.
Protein change: p.Ile145Leu; replaces isoleucine 145 with leucine.
Molecular consequence: missense variant.
Genome position (GRCh38, 1-based): chr12:56,453,683, T>G on the plus strand (A>C on the coding strand, the complement: MIP is on the minus strand). VCF-style: chr12-56453683-T-G. GRCh37 (hg19) VCF-style: chr12-56847467-T-G.
Other names: short protein forms I145L.
Identifiers: ClinVar variation 1012009 (VCV001012009.8), dbSNP rs1868692984, ClinGen allele CA385272334.